The following is an entry in ClinVar:

ClinVar aggregate classification (germline): Uncertain significance (1 of 4 stars; one submission).

Conditions:
Tuberous sclerosis 2 (TSC2). Identifiers: Orphanet 805, MedGen C1860707, MONDO:0013199, OMIM 613254.

Submission:

Labcorp Genetics (formerly Invitae), Labcorp
Classification: Uncertain significance for Tuberous sclerosis 2. Last evaluated: 2025-08-30. Review status: criteria provided, single submitter. Criteria: Invitae Variant Classification Sherloc (09022015). Collection method: clinical testing. Allele origin: germline.
Comment: This sequence change falls in intron 3 of the TSC2 gene. It does not directly change the encoded amino acid sequence of the TSC2 protein. It affects a nucleotide within the consensus splice site. This variant is not present in population databases (gnomAD no frequency). This variant has not been reported in the literature in individuals affected with TSC2-related conditions. Variants that disrupt the consensus splice site are a relatively common cause of aberrant splicing (PMID: 17576681, 9536098). Algorithms developed to predict the effect of sequence changes on RNA splicing suggest that this variant is not likely to affect RNA splicing. In summary, the available evidence is currently insufficient to determine the role of this variant in disease. Therefore, it has been classified as a Variant of Uncertain Significance.

Literature cited by the submitters: PubMed 17576681; PubMed 9536098.

NM_000548.5(TSC2):c.225+3A>C

Gene: TSC2 (TSC complex subunit 2; plus strand). Cytogenetic location: 16p13.3.
Variant type: single nucleotide variant.
Coding change: c.225+3A>C on transcript NM_000548.5 (MANE Select); 3 bases into the intron after coding-DNA position 225, A replaced by C.
Molecular consequence: intron variant.
Genome position (GRCh38, 1-based): chr16:2,050,489, A>C. VCF-style: chr16-2050489-A-C. GRCh37 (hg19) VCF-style: chr16-2100490-A-C.
Other names: c.-1513+3A>C (NM_001406693.1); c.225+3A>C (NM_001406667.1, NM_001406668.1, NM_001114382.3 and 13 more transcripts); c.-592+3A>C (NM_001406680.1, NM_001406683.1, NM_001406687.1); c.-1207+3A>C (NM_001406689.1, NM_001406690.1, NM_001406692.1 and 2 more transcripts); c.-1383+3A>C (NM_001406698.1); c.-1088+3A>C (NM_001406694.1, NM_001406695.1); c.-1195+3A>C (NM_001406696.1); c.-221+3A>C (NM_001406681.1); and 3 more.
Identifiers: ClinVar variation 4726313 (VCV004726313.1).
Genomic context (GRCh38, chr16:2,050,489, plus strand): 5'-TCGCATCCGGATGATAGGGCAGATTTGTGAAGTCGCAAAAACCAAGAAATTTGAAGAGGT[A>C]GGTTTATCCAGTTGAGCTACTAGAGAGAGGCACGTAGACTATTCAGAGCCTGAGTTTGCT-3'